The following is an entry in ClinVar:

NM_006642.5(SDCCAG8):c.655G>A (p.Ala219Thr)

Gene: SDCCAG8 (SHH signaling and ciliogenesis regulator SDCCAG8; plus strand). Cytogenetic location: 1q43.
Variant type: single nucleotide variant.
Coding change: c.655G>A on transcript NM_006642.5 (MANE Select); coding-DNA position 655, G replaced by A.
Protein change: p.Ala219Thr; replaces alanine 219 with threonine.
Molecular consequence: missense variant. On other transcripts: 5 prime UTR variant (3).
Genome position (GRCh38, 1-based): chr1:243,293,199, G>A. VCF-style: chr1-243293199-G-A. GRCh37 (hg19) VCF-style: chr1-243456501-G-A.
Other names: c.-458G>A (NM_001350246.2); c.-346G>A (NM_001350247.2); c.655G>A, p.Ala219Thr (NM_001350248.2); c.361G>A, p.Ala121Thr (NM_001350249.2); c.-719G>A (NM_001350251.2); short protein forms A121T, A219T.
Identifiers: ClinVar variation 4997633 (VCV004997633.1).

ClinVar aggregate classification (germline): Uncertain significance (1 of 4 stars; one submission).

Conditions:
SDCCAG8-related disorder. Also called: SDCCAG8-Related Disorders; SDCCAG8-related condition.

Submission:

PreventionGenetics, part of Exact Sciences
Classification: Uncertain significance for SDCCAG8-related condition. Last evaluated: 2024-11-14. Review status: criteria provided, single submitter. Criteria: ACMG Guidelines, 2015. Collection method: clinical testing. Allele origin: germline.
Comment: The SDCCAG8 c.655G>A variant is predicted to result in the amino acid substitution p.Ala219Thr. To our knowledge, this variant has not been reported in the literature or in a large population database (gnomAD), indicating this variant is rare. At this time, the clinical significance of this variant is uncertain due to the absence of conclusive functional and genetic evidence.